The following is an entry in ClinVar:

ClinVar aggregate classification (germline): Benign/Likely benign. Review status: criteria provided, multiple submitters, no conflicts (2 of 4 stars). 14 submissions from 14 submitters: Benign (10); Likely benign (1). 3 of the submissions do not count toward it. Last evaluated 2026-02-02.

Conditions:
Hypertrophic cardiomyopathy. Also called: HYPERTROPHIC MYOCARDIOPATHY. Identifiers: Orphanet 217569, MedGen C0007194, MeSH D002312, MONDO:0005045, HP:0001639.
Long QT syndrome (LQTS). Identifiers: MedGen C0023976, MeSH D008133, MONDO:0002442. Disease mechanism: loss of function. Inheritance: Various modes of inheritance.
Hypertrophic cardiomyopathy 25 (CMH25). Also called: CARDIOMYOPATHY, FAMILIAL HYPERTROPHIC, 25. Identifiers: MedGen C4225408, MONDO:0011843, OMIM 607487.
Primary familial hypertrophic cardiomyopathy (HCM). Identifiers: Orphanet 99739, MedGen C0949658, MeSH D024741, MONDO:0024573. Inheritance: Various modes of inheritance.
Cardiovascular phenotype. Identifiers: MedGen CN230736.
Cardiomyopathy (CMYO). Also called: Cardiomyopathies. Identifiers: Orphanet 167848, MedGen C0878544, MONDO:0004994, HP:0001638. Inheritance: Various modes of inheritance.

Allele frequency attached by ClinVar (database versions not stated): gnomAD exomes 0.00035 and 0.00080; ExAC 0.00111; 1000 Genomes Project 0.00260; 1000 Genomes Project 30x 0.00265; ESP Exome Variant Server 0.00354; gnomAD 0.00394 and 0.00421; TOPMed 0.00420.
gnomAD v4.1: 1,115 of 1,607,660 alleles (0.069%); highest among the groups gnomAD compares: African/African-American, 1.4%; 9 homozygotes.

Submissions (14):

Labcorp Genetics (formerly Invitae), Labcorp
Classification: Benign for Hypertrophic cardiomyopathy 25; Primary familial hypertrophic cardiomyopathy. Last evaluated: 2026-02-02. Review status: criteria provided, single submitter. Criteria: Invitae Variant Classification Sherloc (09022015). Collection method: clinical testing. Allele origin: germline.

Mayo Clinic Laboratories, Mayo Clinic
Classification: Benign. Last evaluated: 2025-03-25. Review status: criteria provided, single submitter. Criteria: ACMG Guidelines, 2015. Collection method: clinical testing. Allele origin: germline. Observed: 6 variant alleles.
Comment: BS1, BS2

Blueprint Genetics
Classification: Likely benign. Last evaluated: 2024-11-14. Review status: criteria provided, single submitter. Criteria: ACMG Guidelines, 2015. Collection method: clinical testing. Allele origin: germline.

Athena Diagnostics
Classification: Benign. Last evaluated: 2020-09-16. Review status: criteria provided, single submitter. Criteria: Athena Diagnostics criteria. Collection method: clinical testing. Allele origin: unknown.

Center for Advanced Laboratory Medicine, UC San Diego Health, University of California San Diego
Classification: Benign for Hypertrophic cardiomyopathy; Long QT Syndrome. Last evaluated: 2019-06-03. Review status: criteria provided, single submitter. Criteria: ACMG Guidelines, 2015. Collection method: clinical testing. Allele origin: germline. Affected: yes. Observed: 2 variant alleles.

CHEO Genetics Diagnostic Laboratory, Children's Hospital of Eastern Ontario
Classification: Benign for Cardiomyopathy. Last evaluated: 2016-10-12. Review status: criteria provided, single submitter. Criteria: ACMG Guidelines, 2015. Collection method: clinical testing. Allele origin: germline. Study: Canadian Open Genetics Repository.

Ambry Genetics
Classification: Benign for Cardiovascular phenotype. Last evaluated: 2015-12-16. Review status: criteria provided, single submitter. Criteria: Ambry Variant Classification Scheme 2023. Collection method: clinical testing. Allele origin: germline.

Genetic Services Laboratory, University of Chicago
Classification: Benign. Last evaluated: 2014-08-14. Review status: criteria provided, single submitter. Criteria: ACMG Guidelines, 2015. Collection method: clinical testing. Allele origin: germline.

GeneDx
Classification: Benign. Last evaluated: 2013-07-05. Review status: criteria provided, single submitter. Criteria: GeneDx Variant Classification (06012015). Collection method: clinical testing. Allele origin: germline. Affected: yes.
Comment: This variant is considered likely benign or benign based on one or more of the following criteria: it is a conservative change, it occurs at a poorly conserved position in the protein, it is predicted to be benign by multiple in silico algorithms, and/or has population frequency not consistent with disease.

Biesecker Lab/Clinical Genomics Section, National Institutes of Health
Classification: Benign. Last evaluated: 2013-06-24. Review status: criteria provided, single submitter. Criteria: Ng et al. (Circ Cardiovasc Genet. 2013). Collection method: research. Allele origin: unknown. Observed: 3 variant alleles. Study: ClinSeq.
Comment: The study set was not selected for affection status in relation to any cancer. Pathogenicity categories were based on literature curation. See Pubmed ID:23861362 for details.

Medical sequencing

Laboratory for Molecular Medicine, Mass General Brigham Personalized Medicine
Classification: Benign. Last evaluated: 2012-04-17. Review status: criteria provided, single submitter. Criteria: LMM Criteria. Collection method: clinical testing. Allele origin: germline. Observed: 10 variant alleles.
Comment: Ser64Leu in Exon 02 of TCAP: This variant is not expected to have clinical signi ficance because it has been identified in 1.2% (43/3730) of African American chr omosomes from a broad population by the NHLBI Exome Sequencing Project (dbSNP rs45458802).

Clinical Genetics DNA and cytogenetics Diagnostics Lab, Erasmus MC, Erasmus Medical Center
Classification: Benign. Review status: no assertion criteria provided. Collection method: clinical testing. Allele origin: germline. Affected: yes. Study: VKGL Data-share Consensus. Not counted in ClinVar's aggregate classification.

Clinical Genetics, Academic Medical Center
Classification: Benign. Review status: no assertion criteria provided. Collection method: clinical testing. Allele origin: germline. Affected: yes. Study: VKGL Data-share Consensus. Not counted in ClinVar's aggregate classification.

Genome Diagnostics Laboratory, University Medical Center Utrecht
Classification: Benign. Review status: no assertion criteria provided. Collection method: clinical testing. Allele origin: germline. Affected: yes. Study: VKGL Data-share Consensus. Not counted in ClinVar's aggregate classification.

Literature cited by the submitters: PubMed 23861362 (cited by Athena Diagnostics); PubMed 26636822 (cited by Athena Diagnostics).

NM_003673.4(TCAP):c.191C>T (p.Ser64Leu)

Gene: TCAP (titin-cap; plus strand). Cytogenetic location: 17q12.
Variant type: single nucleotide variant.
Coding change: c.191C>T on transcript NM_003673.4 (MANE Select); coding-DNA position 191, C replaced by T.
Protein change: p.Ser64Leu; replaces serine 64 with leucine.
Molecular consequence: missense variant.
Genome position (GRCh38, 1-based): chr17:39,665,796, C>T. VCF-style: chr17-39665796-C-T. GRCh37 (hg19) VCF-style: chr17-37822049-C-T.
Other names: p.S64L:TCG>TTG; short protein forms S64L.
Identifiers: ClinVar variation 44705 (VCV000044705.33), dbSNP rs45458802, ClinGen allele CA282448.